The following is an entry in ClinVar:

NM_001083614.2(EARS2):c.247G>A (p.Val83Ile)

Gene: EARS2 (glutamyl-tRNA synthetase 2, mitochondrial; minus strand). Cytogenetic location: 16p12.2.
Variant type: single nucleotide variant.
Coding change: c.247G>A on transcript NM_001083614.2 (MANE Select); coding-DNA position 247, G replaced by A.
Protein change: p.Val83Ile; replaces valine 83 with isoleucine.
Molecular consequence: missense variant. On other transcripts: non-coding transcript variant (1).
Genome position (GRCh38, 1-based): chr16:23,552,197, C>T on the plus strand (G>A on the coding strand, the complement: EARS2 is on the minus strand). VCF-style: chr16-23552197-C-T. GRCh37 (hg19) VCF-style: chr16-23563518-C-T.
Other names: c.247G>A, p.Val83Ile (NM_001308211.1, NM_133451.1); short protein forms V83I.
Identifiers: ClinVar variation 1931618 (VCV001931618.5), dbSNP rs774849802, ClinGen allele CA7962665.

ClinVar aggregate classification (germline): Uncertain significance. Review status: criteria provided, multiple submitters, no conflicts (2 of 4 stars). 3 submissions from 3 submitters: Uncertain significance (3). Last evaluated 2025-11-25.

Conditions:
Inborn genetic diseases. Identifiers: MedGen C0950123, MeSH D030342.

gnomAD v4.1: 28 of 1,614,172 alleles (0.0017%); highest among the groups gnomAD compares: South Asian, 0.011%; no homozygotes.

Submissions (3):

Labcorp Genetics (formerly Invitae), Labcorp
Classification: Uncertain significance. Last evaluated: 2025-11-25. Review status: criteria provided, single submitter. Criteria: Invitae Variant Classification Sherloc (09022015). Collection method: clinical testing. Allele origin: germline.
Comment: This sequence change replaces valine, which is neutral and non-polar, with isoleucine, which is neutral and non-polar, at codon 83 of the EARS2 protein (p.Val83Ile). This variant is present in population databases (rs774849802, gnomAD 0.01%). This variant has not been reported in the literature in individuals affected with EARS2-related conditions. ClinVar contains an entry for this variant (Variation ID: 1931618). Invitae Evidence Modeling of protein sequence and biophysical properties (such as structural, functional, and spatial information, amino acid conservation, physicochemical variation, residue mobility, and thermodynamic stability) indicates that this missense variant is not expected to disrupt EARS2 protein function with a negative predictive value of 95%. In summary, the available evidence is currently insufficient to determine the role of this variant in disease. Therefore, it has been classified as a Variant of Uncertain Significance.

Ambry Genetics
Classification: Uncertain significance for Inborn genetic diseases. Last evaluated: 2021-03-31. Review status: criteria provided, single submitter. Criteria: Ambry Variant Classification Scheme 2023. Collection method: clinical testing. Allele origin: germline.

Blueprint Genetics
Classification: Uncertain significance. Last evaluated: 2019-10-09. Review status: criteria provided, single submitter. Criteria: ACMG Guidelines, 2015. Collection method: clinical testing. Allele origin: germline.